The following is an entry in ClinVar:

ClinVar aggregate classification (germline): Pathogenic (1 of 4 stars; one submission).

Submission:

Labcorp Genetics (formerly Invitae), Labcorp
Classification: Pathogenic. Last evaluated: 2025-06-08. Review status: criteria provided, single submitter. Criteria: Invitae Variant Classification Sherloc (09022015). Collection method: clinical testing. Allele origin: germline.
Comment: This sequence change creates a premature translational stop signal (p.Glu1709*) in the SORL1 gene. It is expected to result in an absent or disrupted protein product. Loss-of-function variants in SORL1 are known to be pathogenic (PMID: 26303663, 27026413). This variant is not present in population databases (gnomAD no frequency). This variant has not been reported in the literature in individuals affected with SORL1-related conditions. Algorithms developed to predict the effect of sequence changes on RNA splicing suggest that this variant may disrupt the consensus splice site. For these reasons, this variant has been classified as Pathogenic.

Literature cited by the submitters: PubMed 26303663; PubMed 27026413.

NM_003105.6(SORL1):c.5125G>T (p.Glu1709Ter)

Gene: SORL1 (sortilin related receptor 1; plus strand). Cytogenetic location: 11q24.1.
Variant type: single nucleotide variant.
Coding change: c.5125G>T on transcript NM_003105.6 (MANE Select); coding-DNA position 5125, G replaced by T.
Protein change: p.Glu1709Ter; replaces glutamic acid 1709 with a stop codon.
Molecular consequence: nonsense.
Genome position (GRCh38, 1-based): chr11:121,607,249, G>T. VCF-style: chr11-121607249-G-T. GRCh37 (hg19) VCF-style: chr11-121477958-G-T.
Other names: short protein forms E1709*.
Identifiers: ClinVar variation 4770553 (VCV004770553.1).